The following is an entry in ClinVar:

ClinVar aggregate classification (germline): Likely benign. Review status: criteria provided, multiple submitters, no conflicts (2 of 4 stars). 2 submissions from 2 submitters: Likely benign (2). Last evaluated 2025-12-23.

Conditions:
CFAP410-related disorder. Also called: CFAP410-related condition.

Submissions (2):

PreventionGenetics, part of Exact Sciences
Classification: Likely benign for CFAP410-related condition. Last evaluated: 2025-12-23. Review status: criteria provided, single submitter. Criteria: ACMG Guidelines, 2015. Collection method: clinical testing. Allele origin: germline.
Comment: This variant is classified as likely benign based on ACMG/AMP sequence variant interpretation guidelines (Richards et al. 2015 PMID: 25741868, with internal and published modifications).

Labcorp Genetics (formerly Invitae), Labcorp
Classification: Likely benign. Last evaluated: 2025-11-15. Review status: criteria provided, single submitter. Criteria: Invitae Variant Classification Sherloc (09022015). Collection method: clinical testing. Allele origin: germline.

NM_004928.3(CFAP410):c.459C>T (p.Gly153=)

Gene: CFAP410 (cilia and flagella associated protein 410; minus strand). Cytogenetic location: 21q22.3.
Variant type: single nucleotide variant.
Coding change: c.459C>T on transcript NM_004928.3 (MANE Select); coding-DNA position 459, C replaced by T.
Protein change: p.Gly153=; no amino-acid change (glycine 153 retained).
Molecular consequence: synonymous variant.
Genome position (GRCh38, 1-based): chr21:44,331,929, G>A on the plus strand (C>T on the coding strand, the complement: CFAP410 is on the minus strand). VCF-style: chr21-44331929-G-A. GRCh37 (hg19) VCF-style: chr21-45751812-G-A.
Other names: c.459C>T, p.Gly153= (NM_001271440.2, NM_001271441.2); c.336C>T, p.Gly112= (NM_001271442.1); c.459C>T (NM_004928.2).
Identifiers: ClinVar variation 3628959 (VCV003628959.3).